The following is an entry in ClinVar:

NM_015378.4(VPS13D):c.10899A>G (p.Arg3633=)

Gene: VPS13D (vacuolar protein sorting 13 homolog D; plus strand). Cytogenetic location: 1p36.22.
Variant type: single nucleotide variant.
Coding change: c.10899A>G on transcript NM_015378.4 (MANE Select); coding-DNA position 10899, A replaced by G.
Protein change: p.Arg3633=; no amino-acid change (arginine 3633 retained).
Molecular consequence: synonymous variant.
Genome position (GRCh38, 1-based): chr1:12,373,840, A>G. VCF-style: chr1-12373840-A-G. GRCh37 (hg19) VCF-style: chr1-12433895-A-G.
Other names: p.Arg3633=; c.10824A>G, p.Arg3608= (NM_018156.4).
Identifiers: ClinVar variation 2068066 (VCV002068066.5), dbSNP rs756090819, ClinGen allele CA603808.

ClinVar aggregate classification (germline): Benign/Likely benign. Review status: criteria provided, multiple submitters, no conflicts (2 of 4 stars). 2 submissions from 2 submitters: Benign (1); Likely benign (1). Last evaluated 2025-12-05.

Allele frequency attached by ClinVar (database versions not stated): gnomAD 0.00004; TOPMed 0.00007; ExAC 0.00025.
gnomAD v4.1: 74 of 1,606,386 alleles (0.0046%); highest among the groups gnomAD compares: Admixed American, 0.12%; no homozygotes.

Submissions (2):

Mayo Clinic Laboratories, Mayo Clinic
Classification: Likely benign. Last evaluated: 2025-12-05. Review status: criteria provided, single submitter. Criteria: ACMG Guidelines, 2015. Collection method: clinical testing. Allele origin: germline. Observed: 2 variant alleles.
Comment: BS1, BP4, BP7

Labcorp Genetics (formerly Invitae), Labcorp
Classification: Benign. Last evaluated: 2024-10-25. Review status: criteria provided, single submitter. Criteria: Invitae Variant Classification Sherloc (09022015). Collection method: clinical testing. Allele origin: germline.